The following is an entry in ClinVar:

NM_177438.3(DICER1):c.4991C>T (p.Ser1664Leu)

Gene: DICER1 (dicer 1, ribonuclease III; minus strand). Cytogenetic location: 14q32.13.
Variant type: single nucleotide variant.
Coding change: c.4991C>T on transcript NM_177438.3 (MANE Select); coding-DNA position 4991, C replaced by T.
Protein change: p.Ser1664Leu; replaces serine 1664 with leucine.
Molecular consequence: missense variant.
Genome position (GRCh38, 1-based): chr14:95,095,929, G>A on the plus strand (C>T on the coding strand, the complement: DICER1 is on the minus strand). VCF-style: chr14-95095929-G-A. GRCh37 (hg19) VCF-style: chr14-95562266-G-A.
Other names: c.4991C>T, p.Ser1664Leu (NM_001195573.1, NM_001271282.3, NM_001291628.2 and 1 more transcripts); short protein forms S1664L.
Identifiers: ClinVar variation 412095 (VCV000412095.21), dbSNP rs988095775, ClinGen allele CA16614285.

ClinVar aggregate classification (germline): Uncertain significance. Review status: criteria provided, multiple submitters, no conflicts (2 of 4 stars). 4 submissions from 4 submitters: Uncertain significance (4). Last evaluated 2026-03-17.

Conditions:
DICER1-related tumor predisposition. Also called: DICER1 syndrome; DICER1-related pleuropulmonary blastoma cancer predisposition syndrome. Identifiers: Orphanet 284343, MedGen C3839822, MONDO:0100216.
Hereditary cancer-predisposing syndrome. Also called: Hereditary Cancer Syndrome; Tumor predisposition; Hereditary neoplastic syndrome; Neoplastic Syndromes, Hereditary. Identifiers: Orphanet 140162, MedGen C0027672, MeSH D009386, MONDO:0015356.
Global developmental delay - lung cysts - overgrowth - Wilms tumor syndrome. Also called: GLOW Syndrome; GLOBAL DEVELOPMENTAL DELAY, LUNG CYSTS, OVERGROWTH, AND WILMS TUMOR. Identifiers: Orphanet 404476, MedGen C4748924, MONDO:0018445, OMIM 618272.
Rhabdomyosarcoma, embryonal, 2 (RMSE2). Identifiers: MedGen C1867234, MONDO:0859046, OMIM 180295.
Euthyroid goiter (MNG1). Also called: MULTINODULAR GOITER, ADOLESCENT; SIMPLE GOITER; Goiter, multinodular 1, with or without Sertoli-Leydig cell tumors; GOITER, NONTOXIC, WITH INTRATHYROIDAL CALCIFICATION. Identifiers: Orphanet 276399, MedGen C0302859, MONDO:0007681, OMIM 138800, HP:0009798.
Pleuropulmonary blastoma (PPB). Identifiers: Orphanet 64742, MedGen C1266144, MONDO:0011014, OMIM 601200, HP:0100528.

Allele frequency attached by ClinVar (database versions not stated): gnomAD 0.00001; TOPMed 0.00001; gnomAD exomes below 0.00001.
gnomAD v4.1: 7 of 1,613,992 alleles (0.00043%); highest among the groups gnomAD compares: East Asian, 0.0022%; no homozygotes.

Submissions (4):

Ambry Genetics
Classification: Uncertain significance for Hereditary cancer-predisposing syndrome. Last evaluated: 2026-03-17. Review status: criteria provided, single submitter. Criteria: Ambry Variant Classification Scheme 2023. Collection method: clinical testing. Allele origin: germline.
Comment: The p.S1664L variant (also known as c.4991C>T), located in coding exon 22 of the DICER1 gene, results from a C to T substitution at nucleotide position 4991. The serine at codon 1664 is replaced by leucine, an amino acid with dissimilar properties. This variant was reported in individual(s) with features consistent with DICER1-related tumor predisposition (Ambry internal data). This amino acid position is highly conserved in available vertebrate species. In addition, this alteration is predicted to be deleterious by in silico analysis. Based on the available evidence, the clinical significance of this variant remains unclear.

Labcorp Genetics (formerly Invitae), Labcorp
Classification: Uncertain significance for DICER1-related tumor predisposition. Last evaluated: 2025-12-16. Review status: criteria provided, single submitter. Criteria: Invitae Variant Classification Sherloc (09022015). Collection method: clinical testing. Allele origin: germline.
Comment: This sequence change replaces serine, which is neutral and polar, with leucine, which is neutral and non-polar, at codon 1664 of the DICER1 protein (p.Ser1664Leu). This variant is present in population databases (no rsID available, gnomAD 0.003%). This variant has not been reported in the literature in individuals affected with DICER1-related conditions. ClinVar contains an entry for this variant (Variation ID: 412095). Invitae Evidence Modeling of protein sequence and biophysical properties (such as structural, functional, and spatial information, amino acid conservation, physicochemical variation, residue mobility, and thermodynamic stability) indicates that this missense variant is not expected to disrupt DICER1 protein function with a negative predictive value of 95%. In summary, the available evidence is currently insufficient to determine the role of this variant in disease. Therefore, it has been classified as a Variant of Uncertain Significance.

Baylor Genetics
Classification: Uncertain significance for Global developmental delay - lung cysts - overgrowth - Wilms tumor syndrome. Last evaluated: 2024-02-24. Review status: criteria provided, single submitter. Criteria: ACMG Guidelines, 2015. Collection method: clinical testing. Allele origin: unknown.

Fulgent Genetics
Classification: Uncertain significance for Euthyroid goiter; Rhabdomyosarcoma, embryonal, 2; Pleuropulmonary blastoma; Global developmental delay - lung cysts - overgrowth - Wilms tumor syndrome. Last evaluated: 2024-02-16. Review status: criteria provided, single submitter. Criteria: ACMG Guidelines, 2015. Collection method: clinical testing. Allele origin: germline.